The following is an entry in ClinVar:

ClinVar aggregate classification (germline): Uncertain significance (1 of 4 stars; one submission).

Conditions:
Hereditary cancer-predisposing syndrome. Also called: Neoplastic Syndromes, Hereditary; Tumor predisposition; Hereditary Cancer Syndrome; Hereditary neoplastic syndrome. Identifiers: Orphanet 140162, MedGen C0027672, MeSH D009386, MONDO:0015356.
Cardiovascular phenotype. Identifiers: MedGen CN230736.

Submission:

Ambry Genetics
Classification: Uncertain significance for Cardiovascular phenotype; Hereditary cancer-predisposing syndrome. Last evaluated: 2022-08-01. Review status: criteria provided, single submitter. Criteria: Ambry Variant Classification Scheme 2023. Collection method: clinical testing. Allele origin: germline.
Comment: The p.L704P variant (also known as c.2111T>C), located in coding exon 18 of the NF1 gene, results from a T to C substitution at nucleotide position 2111. The leucine at codon 704 is replaced by proline, an amino acid with similar properties. This amino acid position is highly conserved in available vertebrate species. In addition, this alteration is predicted to be deleterious by in silico analysis. Since supporting evidence is limited at this time, the clinical significance of this alteration remains unclear.

NM_001042492.3(NF1):c.2111T>C (p.Leu704Pro)

Gene: NF1 (neurofibromin 1; plus strand). Cytogenetic location: 17q11.2.
Variant type: single nucleotide variant.
Coding change: c.2111T>C on transcript NM_001042492.3 (MANE Select); coding-DNA position 2111, T replaced by C.
Protein change: p.Leu704Pro; replaces leucine 704 with proline.
Molecular consequence: missense variant.
Genome position (GRCh38, 1-based): chr17:31,226,544, T>C. VCF-style: chr17-31226544-T-C. GRCh37 (hg19) VCF-style: chr17-29553562-T-C.
Other names: c.2111T>C, p.Leu704Pro (NM_000267.4); short protein forms L704P.
Identifiers: ClinVar variation 1786124 (VCV001786124.2), dbSNP rs2508156325, ClinGen allele CA398982280.